The following is an entry in ClinVar:

ClinVar aggregate classification (germline): Uncertain significance. Review status: criteria provided, multiple submitters, no conflicts (2 of 4 stars). 5 submissions from 5 submitters: Uncertain significance (5). Last evaluated 2026-04-14.

Conditions:
INVS-related disorder. Also called: INVS-related condition.
Infantile nephronophthisis (NPHP2). Also called: Nephronophthisis 2, infantile; Nephronophthisis 2. Identifiers: Orphanet 655, Orphanet 93591, MedGen C1865872, MONDO:0011190, OMIM 602088.
Nephronophthisis. Also called: Juvenile Nephronophthisis. Identifiers: Orphanet 655, MedGen C0687120, MONDO:0019005, HP:0000090.

Allele frequency attached by ClinVar (database versions not stated): gnomAD exomes 0.00003 and 0.00012; gnomAD 0.00011 and 0.00012; TOPMed 0.00011; ExAC 0.00012; ESP Exome Variant Server 0.00023; 1000 Genomes Project 0.00040; 1000 Genomes Project 30x 0.00047.
gnomAD v4.1: 57 of 1,613,782 alleles (0.0035%); highest among the groups gnomAD compares: Admixed American, 0.04%; no homozygotes.

Submissions (5):

PreventionGenetics, part of Exact Sciences
Classification: Uncertain significance for INVS-related condition. Last evaluated: 2026-04-14. Review status: criteria provided, single submitter. Criteria: ACMG Guidelines, 2015. Collection method: clinical testing. Allele origin: germline.
Comment: The INVS c.706G>A variant is predicted to result in the amino acid substitution p.Val236Met. To our knowledge, this variant has not been reported in the literature. This variant is reported in 0.051% of alleles in individuals of Latino descent in gnomAD. Although we suspect that this variant may be benign, at this time, the clinical significance of this variant is uncertain due to the absence of conclusive functional and genetic evidence.

GeneDx
Classification: Uncertain significance. Last evaluated: 2025-08-15. Review status: criteria provided, single submitter. Criteria: GeneDx Variant Classification Process June 2021. Collection method: clinical testing. Allele origin: germline.
Comment: In silico analysis suggests that this missense variant does not alter protein structure/function; Has not been previously published as pathogenic or benign to our knowledge

Labcorp Genetics (formerly Invitae), Labcorp
Classification: Uncertain significance for Nephronophthisis. Last evaluated: 2025-01-29. Review status: criteria provided, single submitter. Criteria: Invitae Variant Classification Sherloc (09022015). Collection method: clinical testing. Allele origin: germline.
Comment: This sequence change replaces valine, which is neutral and non-polar, with methionine, which is neutral and non-polar, at codon 236 of the INVS protein (p.Val236Met). This variant is present in population databases (rs150883233, gnomAD 0.05%). This variant has not been reported in the literature in individuals affected with INVS-related conditions. ClinVar contains an entry for this variant (Variation ID: 501840). An algorithm developed to predict the effect of missense changes on protein structure and function (PolyPhen-2) suggests that this variant is likely to be disruptive. In summary, the available evidence is currently insufficient to determine the role of this variant in disease. Therefore, it has been classified as a Variant of Uncertain Significance.

Fulgent Genetics
Classification: Uncertain significance for Infantile nephronophthisis. Last evaluated: 2022-03-17. Review status: criteria provided, single submitter. Criteria: ACMG Guidelines, 2015. Collection method: clinical testing. Allele origin: unknown.

Eurofins Ntd Llc (ga)
Classification: Uncertain significance. Last evaluated: 2017-05-04. Review status: criteria provided, single submitter. Criteria: EGL Classification Definitions 2015. Collection method: clinical testing. Allele origin: germline. Observed: 1 variant allele, 1 heterozygote.

NM_014425.5(INVS):c.706G>A (p.Val236Met)

Gene: INVS (inversin; plus strand). Cytogenetic location: 9q31.1.
Variant type: single nucleotide variant.
Coding change: c.706G>A on transcript NM_014425.5 (MANE Select); coding-DNA position 706, G replaced by A.
Protein change: p.Val236Met; replaces valine 236 with methionine.
Molecular consequence: missense variant. On other transcripts: 5 prime UTR variant (1), non-coding transcript variant (1).
Genome position (GRCh38, 1-based): chr9:100,240,150, G>A. VCF-style: chr9-100240150-G-A. GRCh37 (hg19) VCF-style: chr9-103002432-G-A.
Other names: c.706G>A (NM_014425.3, NM_014425.4); c.418G>A, p.Val140Met (NM_001318381.2); c.-284G>A (NM_001318382.2); short protein forms V236M, V140M.
Identifiers: ClinVar variation 501840 (VCV000501840.14), dbSNP rs150883233, ClinGen allele CA5158223.